The following is an entry in ClinVar:

NM_181741.4(ORC4):c.830G>A (p.Arg277Gln)

Gene: ORC4 (origin recognition complex subunit 4; minus strand). Cytogenetic location: 2q23.1.
Variant type: single nucleotide variant.
Coding change: c.830G>A on transcript NM_181741.4 (MANE Select); coding-DNA position 830, G replaced by A.
Protein change: p.Arg277Gln; replaces arginine 277 with glutamine.
Molecular consequence: missense variant.
Genome position (GRCh38, 1-based): chr2:147,943,455, C>T on the plus strand (G>A on the coding strand, the complement: ORC4 is on the minus strand). VCF-style: chr2-147943455-C-T. GRCh37 (hg19) VCF-style: chr2-148701024-C-T.
Other names: c.830G>A, p.Arg277Gln (NM_001190879.3, NM_001374270.1, NM_002552.5 and 1 more transcripts); c.578G>A, p.Arg193Gln (NM_001190881.3, NM_001374272.1); c.608G>A, p.Arg203Gln (NM_001190882.3); short protein forms R203Q, R193Q, R277Q.
Identifiers: ClinVar variation 2080694 (VCV002080694.1), dbSNP rs548305563, ClinGen allele CA1899495.
Genomic context (GRCh38, chr2:147,943,455, plus strand): 5'-AAAAACAAAGCAACAAGCAATAAAACAAAACTAATACAAACCAATAGCATGTGTAATGAC[C>T]GCAGGTTTTTGCTGATATTGAAATGCTTCTGTAGTACTTCTTGCACACTTCTATCTTCTG-3'
Protein context (NP_859525.1, residues 267-287): QKHFNISKNL[Arg277Gln]SLHMLLMLAL

ClinVar aggregate classification (germline): Uncertain significance (1 of 4 stars; one submission).

Allele frequency attached by ClinVar (database versions not stated): gnomAD 0.00002; TOPMed 0.00003; 1000 Genomes Project 30x 0.00016; 1000 Genomes Project 0.00020.
gnomAD v4.1: 49 of 1,600,502 alleles (0.0031%); highest among the groups gnomAD compares: Middle Eastern, 0.05%; no homozygotes.

Submission:

Labcorp Genetics (formerly Invitae), Labcorp
Classification: Uncertain significance. Last evaluated: 2022-03-07. Review status: criteria provided, single submitter. Criteria: Invitae Variant Classification Sherloc (09022015). Collection method: clinical testing. Allele origin: germline.
Comment: This sequence change replaces arginine, which is basic and polar, with glutamine, which is neutral and polar, at codon 277 of the ORC4 protein (p.Arg277Gln). This variant is present in population databases (rs548305563, gnomAD 0.02%). This variant has not been reported in the literature in individuals affected with ORC4-related conditions. Algorithms developed to predict the effect of missense changes on protein structure and function output the following: SIFT: "Tolerated"; PolyPhen-2: "Benign"; Align-GVGD: "Class C0". The glutamine amino acid residue is found in multiple mammalian species, which suggests that this missense change does not adversely affect protein function. In summary, the available evidence is currently insufficient to determine the role of this variant in disease. Therefore, it has been classified as a Variant of Uncertain Significance.